The following is an entry in ClinVar:

ClinVar aggregate classification (germline): Uncertain significance. Review status: criteria provided, multiple submitters, no conflicts (2 of 4 stars). 3 submissions from 3 submitters: Uncertain significance (3). Last evaluated 2026-02-19.

Conditions:
Cardiovascular phenotype. Identifiers: MedGen CN230736.
Cardiomyopathy (CMYO). Also called: Cardiomyopathies. Identifiers: Orphanet 167848, MedGen C0878544, MONDO:0004994, HP:0001638. Inheritance: Various modes of inheritance.

gnomAD v4.1: 4 of 1,614,030 alleles (0.00025%); highest among the groups gnomAD compares: East Asian, 0.0022%; no homozygotes.

Submissions (3):

Ambry Genetics
Classification: Uncertain significance for Cardiovascular phenotype. Last evaluated: 2026-02-19. Review status: criteria provided, single submitter. Criteria: Ambry Variant Classification Scheme 2023. Collection method: clinical testing. Allele origin: germline.
Comment: The p.Q2765E variant (also known as c.8293C>G), located in coding exon 24 of the DSP gene, results from a C to G substitution at nucleotide position 8293. The glutamine at codon 2765 is replaced by glutamic acid, an amino acid with highly similar properties. This amino acid position is conserved. In addition, the in silico prediction for this alteration is inconclusive. Based on the available evidence, the clinical significance of this variant remains unclear.

Color Diagnostics, LLC DBA Color Health
Classification: Uncertain significance for Cardiomyopathy. Last evaluated: 2025-09-01. Review status: criteria provided, single submitter. Criteria: ACMG Guidelines, 2015. Collection method: clinical testing. Allele origin: germline.
Comment: This missense variant replaces glutamine with glutamic acid at codon 2765 of the DSP protein. Computational prediction suggests that this variant may not impact protein structure and function. To our knowledge, functional studies have not been reported for this variant. This variant has not been reported in individuals affected with DSP-related disorders in the literature. This variant has been identified in 1/251374 chromosomes in the general population by the Genome Aggregation Database (gnomAD). The available evidence is insufficient to determine the role of this variant in disease conclusively. Therefore, this variant is classified as a Variant of Uncertain Significance.

Blueprint Genetics
Classification: Uncertain significance. Last evaluated: 2020-11-20. Review status: criteria provided, single submitter. Criteria: ACMG Guidelines, 2015. Collection method: clinical testing. Allele origin: germline.

NM_004415.4(DSP):c.8293C>G (p.Gln2765Glu)

Gene: DSP (desmoplakin; plus strand). Cytogenetic location: 6p24.3.
Variant type: single nucleotide variant.
Coding change: c.8293C>G on transcript NM_004415.4 (MANE Select); coding-DNA position 8293, C replaced by G.
Protein change: p.Gln2765Glu; replaces glutamine 2765 with glutamic acid.
Molecular consequence: missense variant.
Genome position (GRCh38, 1-based): chr6:7,585,555, C>G. VCF-style: chr6-7585555-C-G. GRCh37 (hg19) VCF-style: chr6-7585788-C-G.
Other names: c.6496C>G, p.Gln2166Glu (NM_001008844.3); c.6964C>G, p.Gln2322Glu (NM_001319034.2); short protein forms Q2166E, Q2322E, Q2765E.
Identifiers: ClinVar variation 4756230 (VCV004756230.3).
Genomic context (GRCh38, chr6:7,585,555, plus strand): 5'-ATAAGCACCGAAGAAGCCATCCGGAAGGGGTTCATAGATGGCCGCGCCGCACAGAGGCTG[C>G]AAGACACCAGCAGCTATGCCAAAATCCTGACCTGCCCCAAAACCAAATTAAAAATATCCT-3'
Protein context (NP_004406.2, residues 2755-2775): FIDGRAAQRL[Gln2765Glu]DTSSYAKILT